The following is an entry in ClinVar:

NM_080425.4(GNAS):c.1479C>T (p.Asp493=)

Gene: GNAS (GNAS complex locus; plus strand). Cytogenetic location: 20q13.32.
Variant type: single nucleotide variant.
Coding change: c.1479C>T on transcript NM_080425.4 (MANE Plus Clinical); coding-DNA position 1479, C replaced by T.
Protein change: p.Asp493=; no amino-acid change (aspartic acid 493 retained).
Molecular consequence: synonymous variant. On other transcripts: intron variant (3), missense variant (2).
Genome position (GRCh38, 1-based): chr20:58,854,744, C>T. VCF-style: chr20-58854744-C-T. GRCh37 (hg19) VCF-style: chr20-57429799-C-T.
Other names: c.1479C>T, p.Asp493= (NM_001410913.1); c.*42+13858C>T (NM_016592.5); c.43+13858C>T (NM_001410912.1); c.-39+12869C>T (NM_001309861.2); c.1292C>T, p.Thr431Met (NM_001077490.3, NM_001309883.1); short protein forms T431M.
Identifiers: ClinVar variation 3045495 (VCV003045495.3), dbSNP rs1298120817, ClinGen allele CA409460893.

ClinVar aggregate classification (germline): Uncertain significance (1 of 4 stars; one submission).

Conditions:
GNAS-related disorder. Identifiers: MedGen CN380105.

Allele frequency attached by ClinVar (database versions not stated): gnomAD exomes below 0.00001.
gnomAD v4.1: 4 of 1,541,616 alleles (0.00026%); highest among the groups gnomAD compares: Admixed American, 0.0038%; no homozygotes.

Submission:

PreventionGenetics, part of Exact Sciences
Classification: Uncertain significance for GNAS-related condition. Last evaluated: 2025-08-07. Review status: criteria provided, single submitter. Criteria: ACMG Guidelines, 2015. Collection method: clinical testing. Allele origin: germline.
Comment: The GNAS c.1292C>T variant is predicted to result in the amino acid substitution p.Thr431Met. In the HGMD primary transcript, this change is upstream of the coding region (NM_000516.5:c.-36983C>T). To our knowledge, this variant has not been reported in the literature. This variant is reported in 0.0039% of alleles in individuals of Latino descent in gnomAD. At this time, the clinical significance of this variant is uncertain due to the absence of conclusive functional and genetic evidence.